The following is an entry in ClinVar:

ClinVar aggregate classification (germline): Likely pathogenic (3 of 4 stars; one submission).

Conditions:
Glanzmann thrombasthenia. Also called: BLEEDING DISORDER, PLATELET-TYPE, 2; THROMBASTHENIA OF GLANZMANN AND NAEGELI; PLATELET GLYCOPROTEIN IIb-IIIa DEFICIENCY; Glanzmann's thrombasthenia; Thrombasthenia. Identifiers: Orphanet 849, MedGen C0040015, MONDO:0100326.

gnomAD v4.1: 1 of 1,614,018 alleles (0.000062%); highest among the groups gnomAD compares: South Asian, 0.0011%; no homozygotes.

Submission:

ClinGen Platelet Disorders Variant Curation Expert Panel, ClinGen
Classification: Likely pathogenic for Glanzmann thrombasthenia. Last evaluated: 2023-05-16. Review status: reviewed by expert panel. Criteria: ClinGen Platelet ACMG Specifications v2-1. Collection method: curation. Allele origin: germline. Inheritance: Autosomal recessive inheritance.
Comment: The NM_000212.3(ITGB3):c.877C>T variant results in premature termination of translation at Gln293 in exon 6/15. The resulting transcript is predicted to undergo NMD (PVS1). The variant is absent from gnomAD v2.1.1 and v3 (PM2_supporting threshold of <0.0001). The variant is reported in one compound heterozygous individual who does not meet criteria for PP4 (PMID: 30138987). In summary, this variant meets the criteria to be classified as likely pathogenic for autosomal recessive Glanzmann Thrombasthenia based on the ACMG/AMP criteria applied, as specified by the ClinGen PD VCEP: PM2_Supporting, PVS1 (PD VCEP specifications version 2.1).

NM_000212.3(ITGB3):c.877C>T (p.Gln293Ter)

Gene: ITGB3 (integrin subunit beta 3; plus strand). Cytogenetic location: 17q21.32.
Variant type: single nucleotide variant.
Coding change: c.877C>T on transcript NM_000212.3 (MANE Select); coding-DNA position 877, C replaced by T.
Protein change: p.Gln293Ter; replaces glutamine 293 with a stop codon.
Molecular consequence: nonsense.
Genome position (GRCh38, 1-based): chr17:47,287,169, C>T. VCF-style: chr17-47287169-C-T. GRCh37 (hg19) VCF-style: chr17-45364535-C-T.
Other names: short protein forms Q293*.
Identifiers: ClinVar variation 953048 (VCV000953048.3), dbSNP rs1193381168, ClinGen allele CA400025022.